The following is an entry in ClinVar:

ClinVar aggregate classification (germline): Benign (1 of 4 stars; one submission).

Conditions:
Factor V and factor VIII, combined deficiency of, type 1. Also called: Combined factor V and VIII deficiency; FAMILIAL MULTIPLE COAGULATION FACTOR DEFICIENCY I; MULTIPLE COAGULATION FACTOR DEFICIENCY I; FMFD I. Identifiers: Orphanet 35909, MedGen C4551981, MONDO:0009206, OMIM 227300.

Allele frequency attached by ClinVar (database versions not stated): gnomAD 0.00725 and 0.00747; 1000 Genomes Project 0.01318; TOPMed 0.01329; 1000 Genomes Project 30x 0.01515.

Submission:

Illumina Laboratory Services, Illumina
Classification: Benign for Factor V and factor VIII, combined deficiency of, type 1. Last evaluated: 2018-01-13. Review status: criteria provided, single submitter. Criteria: ICSL Variant Classification Criteria 13 December 2019. Collection method: clinical testing. Allele origin: germline.
Comment: This variant was observed in the ICSL laboratory as part of a predisposition screen in an ostensibly healthy population. It had not been previously curated by ICSL or reported in the Human Gene Mutation Database (HGMD: prior to June 1st, 2018), and was therefore a candidate for classification through an automated scoring system. Utilizing variant allele frequency, disease prevalence and penetrance estimates, and inheritance mode, an automated score was calculated to assess if this variant is too frequent to cause the disease. Based on the score and internal cut-off values, a variant classified as benign is not then subjected to further curation. The score for this variant resulted in a classification of benign for this disease.

NM_005570.4(LMAN1):c.*1822G>T

Gene: LMAN1 (lectin, mannose binding 1; minus strand). Cytogenetic location: 18q21.32.
Variant type: single nucleotide variant.
Coding change: c.*1822G>T on transcript NM_005570.4 (MANE Select); 1822 bases downstream of the stop codon, G replaced by T.
Molecular consequence: 3 prime UTR variant.
Genome position (GRCh38, 1-based): chr18:59,329,271, C>A on the plus strand (G>T on the coding strand, the complement: LMAN1 is on the minus strand). VCF-style: chr18-59329271-C-A. GRCh37 (hg19) VCF-style: chr18-56996503-C-A.
Identifiers: ClinVar variation 327552 (VCV000327552.5), dbSNP rs151128517, ClinGen allele CA10651985.
Genomic context (GRCh38, chr18:59,329,271, plus strand): 5'-ATGCTCATGCTGTTTCATAATAGCCATCTCCATTTGTAGTAAGAATAATCAGAATGATTC[C>A]CCTTGAATTTCAGCCTGAAAAATGTATACTGCATAGATCTGGTATTCCTTTAATGCACAG-3'